The following is an entry in ClinVar:

ClinVar aggregate classification (germline): Uncertain significance (1 of 4 stars; one submission).

Conditions:
DYRK1B-related disorder. Also called: DYRK1B-related condition.

gnomAD v4.1: 1 of 1,570,756 alleles (0.000064%); highest among the groups gnomAD compares: African/African-American, 0.0014%; no homozygotes.

Submission:

PreventionGenetics, part of Exact Sciences
Classification: Uncertain significance for DYRK1B-related condition. Last evaluated: 2026-09-03. Review status: criteria provided, single submitter. Criteria: ACMG Guidelines, 2015. Collection method: clinical testing. Allele origin: germline.
Comment: The DYRK1B c.1832C>G variant is predicted to result in the amino acid substitution p.Thr611Ser. To our knowledge, this variant has not been reported in the literature. This variant is reported in 0.011% of alleles in individuals of African descent in gnomAD. Although we suspect that this variant may be benign, at this time, the clinical significance of this variant is uncertain due to the absence of conclusive functional and genetic evidence.

NM_004714.3(DYRK1B):c.1832C>G (p.Thr611Ser)

Gene: DYRK1B (dual specificity tyrosine phosphorylation regulated kinase 1B; minus strand). Cytogenetic location: 19q13.2.
Variant type: single nucleotide variant.
Coding change: c.1832C>G on transcript NM_004714.3 (MANE Select); coding-DNA position 1832, C replaced by G.
Protein change: p.Thr611Ser; replaces threonine 611 with serine.
Molecular consequence: missense variant.
Genome position (GRCh38, 1-based): chr19:39,825,773, G>C on the plus strand (C>G on the coding strand, the complement: DYRK1B is on the minus strand). VCF-style: chr19-39825773-G-C. GRCh37 (hg19) VCF-style: chr19-40316413-G-C.
Other names: c.1712C>G, p.Thr571Ser (NM_006483.3); c.1748C>G, p.Thr583Ser (NM_006484.3); short protein forms T583S, T571S, T611S.
Identifiers: ClinVar variation 4995512 (VCV004995512.1).